The following is an entry in ClinVar:

ClinVar aggregate classification (germline): Pathogenic/Likely pathogenic. Review status: criteria provided, multiple submitters, no conflicts (2 of 4 stars). 5 submissions from 5 submitters: Pathogenic (1); Likely pathogenic (1). 3 of the submissions do not count toward it. Last evaluated 2025-09-02.

Conditions:
Renal cell carcinoma. Identifiers: Orphanet 217071, MedGen C0007134, MeSH D002292, MONDO:0005086, HP:0005584.
Hereditary cancer-predisposing syndrome. Also called: Tumor predisposition; Hereditary neoplastic syndrome; Neoplastic Syndromes, Hereditary; Hereditary Cancer Syndrome. Identifiers: Orphanet 140162, MedGen C0027672, MeSH D009386, MONDO:0015356.
Papillary renal cell carcinoma type 1 (RCCP1). Also called: RENAL CELL CARCINOMA, PAPILLARY, 1, SOMATIC; Renal adenocarcinoma; Renal cell carcinoma 1; Renal cell carcinoma, somatic. Identifiers: Orphanet 47044, MedGen C1336839, OMIM 605074, HP:0011797.

Allele frequency attached by ClinVar (database versions not stated): gnomAD exomes below 0.00001.
gnomAD v4.1: 3 of 1,614,074 alleles (0.00019%); highest among the groups gnomAD compares: South Asian, 0.0011%; no homozygotes.

Submissions (5):

Ambry Genetics
Classification: Pathogenic for Hereditary cancer-predisposing syndrome. Last evaluated: 2025-09-02. Review status: criteria provided, single submitter. Criteria: Ambry Variant Classification Scheme 2023. Collection method: clinical testing. Allele origin: germline.
Comment: The p.V1238I pathogenic mutation (also known as c.3712G>A), located in coding exon 18 of the MET gene, results from a G to A substitution at nucleotide position 3712. The valine at codon 1238 is replaced by isoleucine, an amino acid with highly similar properties. It has also been shown to segregate with disease in a large Spanish family with a clinical history consistent with hereditary papillary renal cell carcinoma (HPRCC) with a likelihood ratio of 348:1 (Schmidt L et al, Nat. Genet. 1997 May; 16(1):68-73; Prat E et al. Cancer Genet Cytogenet, 2006 Jan;164:142-7, Ambry internal calculations). One study examined the functional significance of this alteration by transfecting cells with MET mutant cDNA and found that while cells transfected with V1238I were phenotypically normal, they had moderately enhanced kinase activity toward an exogenous substrate when compared with wild-type MET. Further, cells expressing MET V1238I were shown to be tumorigenic in nude mice (Jeffers M et al, Proc. Natl. Acad. Sci. U.S.A. 1997 Oct; 94(21):11445-50). This amino acid position is highly conserved in available vertebrate species. In addition, the in silico prediction for this alteration is inconclusive. Based on the supporting evidence, this alteration is interpreted as a disease-causing mutation.

Labcorp Genetics (formerly Invitae), Labcorp
Classification: Likely pathogenic for Renal cell carcinoma. Last evaluated: 2025-05-25. Review status: criteria provided, single submitter. Criteria: Invitae Variant Classification Sherloc (09022015). Collection method: clinical testing. Allele origin: germline.
Comment: This sequence change replaces valine, which is neutral and non-polar, with isoleucine, which is neutral and non-polar, at codon 1238 of the MET protein (p.Val1238Ile). This variant is not present in population databases (gnomAD no frequency). This missense change has been observed in individual(s) with renal cell carcinoma (PMID: 9140397, 32770124, 34882875). It has also been observed to segregate with disease in related individuals. This variant is also known as V1220I. ClinVar contains an entry for this variant (Variation ID: 13883). Invitae Evidence Modeling of protein sequence and biophysical properties (such as structural, functional, and spatial information, amino acid conservation, physicochemical variation, residue mobility, and thermodynamic stability) indicates that this missense variant is expected to disrupt MET protein function with a positive predictive value of 80%. Experimental studies are conflicting or provide insufficient evidence to determine the effect of this variant on MET function (PMID: 9326629, 19459657). In summary, the currently available evidence indicates that the variant is pathogenic, but additional data are needed to prove that conclusively. Therefore, this variant has been classified as Likely Pathogenic.

OMIM
Classification: Pathogenic for RENAL CELL CARCINOMA, PAPILLARY, 1. Last evaluated: 1997-05-01. Review status: no assertion criteria provided. Collection method: literature only. Allele origin: germline. Not counted in ClinVar's aggregate classification.

Genome Diagnostics Laboratory, Amsterdam University Medical Center
Classification: Pathogenic. Review status: no assertion criteria provided. Collection method: clinical testing. Allele origin: germline. Affected: yes. Study: VKGL Data-share Consensus. Not counted in ClinVar's aggregate classification.

Genome Diagnostics Laboratory, University Medical Center Utrecht
Classification: Pathogenic. Review status: no assertion criteria provided. Collection method: clinical testing. Allele origin: germline. Affected: yes. Study: VKGL Data-share Consensus. Not counted in ClinVar's aggregate classification.

Literature cited by the submitters: PubMed 10327054 (cited by Ambry Genetics); PubMed 16434318 (cited by Ambry Genetics); PubMed 24061647 (cited by Ambry Genetics); PubMed 24121490 (cited by Ambry Genetics); PubMed 9140397 (cited by 3 submitters); PubMed 9326629 (cited by Ambry Genetics and Labcorp Genetics (formerly Invitae), Labcorp); PubMed 32770124 (cited by Labcorp Genetics (formerly Invitae), Labcorp); PubMed 34882875 (cited by Labcorp Genetics (formerly Invitae), Labcorp); PubMed 19459657 (cited by Labcorp Genetics (formerly Invitae), Labcorp).

NM_000245.4(MET):c.3658G>A (p.Val1220Ile)

Gene: MET (MET proto-oncogene, receptor tyrosine kinase; plus strand). Cytogenetic location: 7q31.2.
Variant type: single nucleotide variant.
Coding change: c.3658G>A on transcript NM_000245.4 (MANE Select); coding-DNA position 3658, G replaced by A.
Protein change: p.Val1220Ile; replaces valine 1220 with isoleucine.
Molecular consequence: missense variant.
Genome position (GRCh38, 1-based): chr7:116,783,329, G>A. VCF-style: chr7-116783329-G-A. GRCh37 (hg19) VCF-style: chr7-116423383-G-A.
Other names: c.3712G>A, p.Val1238Ile (LRG_662t1, NM_001127500.3); c.2368G>A, p.Val790Ile (NM_001324402.2); short protein forms V1238I, V790I, V1220I.
Identifiers: ClinVar variation 13883 (VCV000013883.18), dbSNP rs121913670, ClinGen allele CA256997.